The following is an entry in ClinVar:

ClinVar aggregate classification (germline): Likely pathogenic (1 of 4 stars; one submission).

Allele frequency attached by ClinVar (database versions not stated): gnomAD exomes below 0.00001; gnomAD 0.00001.
gnomAD v4.1: 6 of 1,613,942 alleles (0.00037%); highest among the groups gnomAD compares: Non-Finnish European, 0.00051%; no homozygotes.

Submission:

Labcorp Genetics (formerly Invitae), Labcorp
Classification: Likely pathogenic. Last evaluated: 2024-02-19. Review status: criteria provided, single submitter. Criteria: Invitae Variant Classification Sherloc (09022015). Collection method: clinical testing. Allele origin: germline.
Comment: This sequence change affects an acceptor splice site in intron 3 of the IL2RB gene. It is expected to disrupt RNA splicing. Variants that disrupt the donor or acceptor splice site typically lead to a loss of protein function (PMID: 16199547), and loss-of-function variants in IL2RB are known to be pathogenic (PMID: 31040185). This variant is not present in population databases (gnomAD no frequency). This variant has not been reported in the literature in individuals affected with IL2RB-related conditions. ClinVar contains an entry for this variant (Variation ID: 1493110). Algorithms developed to predict the effect of sequence changes on RNA splicing suggest that this variant may disrupt the consensus splice site. In summary, the currently available evidence indicates that the variant is pathogenic, but additional data are needed to prove that conclusively. Therefore, this variant has been classified as Likely Pathogenic.

Literature cited by the submitters: PubMed 16199547; PubMed 31040185.

NM_000878.5(IL2RB):c.204-2A>T

Gene: IL2RB (interleukin 2 receptor subunit beta; minus strand). Cytogenetic location: 22q12.3.
Variant type: single nucleotide variant.
Coding change: c.204-2A>T on transcript NM_000878.5 (MANE Select); the canonical splice acceptor site of the intron before coding-DNA position 204, A replaced by T.
Molecular consequence: splice acceptor variant.
Genome position (GRCh38, 1-based): chr22:37,142,514, T>A on the plus strand (A>T on the coding strand, the complement: IL2RB is on the minus strand). VCF-style: chr22-37142514-T-A. GRCh37 (hg19) VCF-style: chr22-37538554-T-A.
Other names: c.204-2A>T (NM_001346222.1, NM_001346223.2).
Identifiers: ClinVar variation 1493110 (VCV001493110.6), dbSNP rs1922018671, ClinGen allele CA411429408.